The following is an entry in ClinVar:

ClinVar aggregate classification (germline): Conflicting classifications of pathogenicity. Review status: criteria provided, conflicting classifications (1 of 4 stars). 4 submissions from 4 submitters: Pathogenic (1); Likely pathogenic (2); Uncertain significance (1). Last evaluated 2025-12-22.

Conditions:
Osteogenesis imperfecta (OI). Identifiers: Orphanet 666, MedGen C0029434, MeSH D010013, MONDO:0019019.
Osteogenesis imperfecta type 15. Also called: OI, TYPE XV; WNT1-related osteogenesis imperfecta; Osteogenesis imperfecta, type xv. Identifiers: Orphanet 666, MedGen C3808844, MONDO:0014086, OMIM 615220.

Allele frequency attached by ClinVar (database versions not stated): ExAC 0.00001; TOPMed 0.00001.

Submissions (4):

Labcorp Genetics (formerly Invitae), Labcorp
Classification: Pathogenic. Last evaluated: 2025-12-22. Review status: criteria provided, single submitter. Criteria: Invitae Variant Classification Sherloc (09022015). Collection method: clinical testing. Allele origin: germline.
Comment: This sequence change replaces glycine, which is neutral and non-polar, with cysteine, which is neutral and slightly polar, at codon 169 of the WNT1 protein (p.Gly169Cys). This variant is present in population databases (rs773630541, gnomAD 0.009%). This missense change has been observed in individual(s) with osteogenesis imperfecta (PMID: 27450065; internal data). ClinVar contains an entry for this variant (Variation ID: 2735848). Invitae Evidence Modeling of protein sequence and biophysical properties (such as structural, functional, and spatial information, amino acid conservation, physicochemical variation, residue mobility, and thermodynamic stability) indicates that this missense variant is expected to disrupt WNT1 protein function with a positive predictive value of 80%. Experimental studies have shown that this missense change affects WNT1 function (PMID: 34078411). This variant disrupts the p.Gly169 amino acid residue in WNT1. Other variant(s) that disrupt this residue have been determined to be pathogenic (PMID: 27450065, 30715774, 30913006). This suggests that this residue is clinically significant, and that variants that disrupt this residue are likely to be disease-causing. For these reasons, this variant has been classified as Pathogenic.

Women's Health and Genetics/Laboratory Corporation of America, LabCorp
Classification: Likely pathogenic for Osteogenesis imperfecta. Last evaluated: 2024-08-14. Review status: criteria provided, single submitter. Criteria: LabCorp Variant Classification Summary - May 2015. Collection method: clinical testing. Allele origin: germline.
Comment: Variant summary: WNT1 c.505G>T (p.Gly169Cys) results in a non-conservative amino acid change in the encoded protein sequence. Five of five in-silico tools predict a damaging effect of the variant on protein function. The variant allele was found at a frequency of 2.1e-05 in 233830 control chromosomes. c.505G>T has been reported in the literature in at least 1 individual affected with Osteogenesis Imperfecta (example, Liu_2016). At least one publication reports experimental evidence evaluating an impact on protein function. The most pronounced variant effect in vitro included <15% protein expression vs. controls and significant phosphorylation/expression impacts to downstream activation pathway markers important for bone formation (example, Zhang_2021). Additionally, a different variant affecting the same codon has been reported in multiple individuals affected with osteogenesis imperfecta(c.506G>A, p.Gly169Asp), suggesting critical relevance of codon 169 to WNT1 protein function. The following publications have been ascertained in the context of this evaluation (PMID: 36595228, 27450065, 28725987, 34078411). ClinVar contains an entry for this variant (Variation ID: 2735848). Based on the evidence outlined above, the variant was classified as likely pathogenic.

CeGaT Center for Human Genetics Tuebingen
Classification: Uncertain significance. Last evaluated: 2024-04-01. Review status: criteria provided, single submitter. Criteria: CeGaT Center For Human Genetics Tuebingen Variant Classification Criteria Version 2. Collection method: clinical testing. Allele origin: germline. Affected: yes. Observed: 1 variant allele.
Comment: WNT1: PM2, PM5, PS3:Supporting

Clinical Biomedical Laboratory, Shriners Hospital For Children - Canada
Classification: Likely pathogenic for Osteogenesis imperfecta type 15. Review status: criteria provided, single submitter. Criteria: ACMG Guidelines, 2015. Collection method: clinical testing. Allele origin: germline. Affected: yes.
Comment: In the Shriners Hospital for Children variant database this variant has been observed in homozygous form in an individual diagnosed with osteogenesis imperfecta. The variant is present in gnomAD exomes (version 2.1.1) at a frequency of 0.002% and thus is very rare. Based on the ACMG variant interpretation guidelines, the available evidence supports classification as likely pathogenic.

Literature cited by the submitters: PubMed 27450065 (cited by Labcorp Genetics (formerly Invitae), Labcorp and Women's Health and Genetics/Laboratory Corporation of America, LabCorp); PubMed 34078411 (cited by Labcorp Genetics (formerly Invitae), Labcorp and Women's Health and Genetics/Laboratory Corporation of America, LabCorp); PubMed 30715774 (cited by Labcorp Genetics (formerly Invitae), Labcorp); PubMed 30913006 (cited by Labcorp Genetics (formerly Invitae), Labcorp); PubMed 28725987 (cited by Women's Health and Genetics/Laboratory Corporation of America, LabCorp); PubMed 36595228 (cited by Women's Health and Genetics/Laboratory Corporation of America, LabCorp).

NM_005430.4(WNT1):c.505G>T (p.Gly169Cys)

Gene: WNT1 (Wnt family member 1; plus strand). Cytogenetic location: 12q13.12.
Variant type: single nucleotide variant.
Coding change: c.505G>T on transcript NM_005430.4 (MANE Select); coding-DNA position 505, G replaced by T.
Protein change: p.Gly169Cys; replaces glycine 169 with cysteine.
Molecular consequence: missense variant.
Genome position (GRCh38, 1-based): chr12:48,980,570, G>T. VCF-style: chr12-48980570-G-T. GRCh37 (hg19) VCF-style: chr12-49374353-G-T.
Other names: short protein forms G169C.
Identifiers: ClinVar variation 2735848 (VCV002735848.25), dbSNP rs773630541, ClinGen allele CA6544408.